The following is an entry in ClinVar:

ClinVar aggregate classification (germline): Uncertain significance. Review status: criteria provided, multiple submitters, no conflicts (2 of 4 stars). 2 submissions from 2 submitters: Uncertain significance (2). Last evaluated 2025-08-29.

Conditions:
Hereditary cancer-predisposing syndrome. Also called: Tumor predisposition; Neoplastic Syndromes, Hereditary; Hereditary Cancer Syndrome; Hereditary neoplastic syndrome. Identifiers: Orphanet 140162, MedGen C0027672, MeSH D009386, MONDO:0015356.
Tuberous sclerosis 2 (TSC2). Identifiers: Orphanet 805, MedGen C1860707, MONDO:0013199, OMIM 613254.

gnomAD v4.1: 2 of 1,612,776 alleles (0.00012%); highest among the groups gnomAD compares: Admixed American, 0.0033%; no homozygotes.

Submissions (2):

Ambry Genetics
Classification: Uncertain significance for Hereditary cancer-predisposing syndrome. Last evaluated: 2025-08-29. Review status: criteria provided, single submitter. Criteria: Ambry Variant Classification Scheme 2023. Collection method: clinical testing. Allele origin: germline.
Comment: The p.A1258G variant (also known as c.3773C>G), located in coding exon 30 of the TSC2 gene, results from a C to G substitution at nucleotide position 3773. The alanine at codon 1258 is replaced by glycine, an amino acid with similar properties. This amino acid position is conserved. In addition, the in silico prediction for this alteration is inconclusive. Since supporting evidence is limited at this time, the clinical significance of this alteration remains unclear.

Labcorp Genetics (formerly Invitae), Labcorp
Classification: Uncertain significance for Tuberous sclerosis 2. Last evaluated: 2025-08-03. Review status: criteria provided, single submitter. Criteria: Invitae Variant Classification Sherloc (09022015). Collection method: clinical testing. Allele origin: germline.
Comment: This sequence change replaces alanine, which is neutral and non-polar, with glycine, which is neutral and non-polar, at codon 1258 of the TSC2 protein (p.Ala1258Gly). This variant is not present in population databases (gnomAD no frequency). This variant has not been reported in the literature in individuals affected with TSC2-related conditions. ClinVar contains an entry for this variant (Variation ID: 406085). Invitae Evidence Modeling of protein sequence and biophysical properties (such as structural, functional, and spatial information, amino acid conservation, physicochemical variation, residue mobility, and thermodynamic stability) indicates that this missense variant is not expected to disrupt TSC2 protein function with a negative predictive value of 95%. In summary, the available evidence is currently insufficient to determine the role of this variant in disease. Therefore, it has been classified as a Variant of Uncertain Significance.

NM_000548.5(TSC2):c.3773C>G (p.Ala1258Gly)

Gene: TSC2 (TSC complex subunit 2; plus strand). Cytogenetic location: 16p13.3.
Variant type: single nucleotide variant.
Coding change: c.3773C>G on transcript NM_000548.5 (MANE Select); coding-DNA position 3773, C replaced by G.
Protein change: p.Ala1258Gly; replaces alanine 1258 with glycine.
Molecular consequence: missense variant.
Genome position (GRCh38, 1-based): chr16:2,081,757, C>G. VCF-style: chr16-2081757-C-G. GRCh37 (hg19) VCF-style: chr16-2131758-C-G.
Other names: c.3641C>G, p.Ala1214Gly (NM_001077183.3, NM_001370404.1); c.3773C>G, p.Ala1258Gly (NM_001114382.3); c.3533C>G, p.Ala1178Gly (NM_001318827.2); c.3497C>G, p.Ala1166Gly (NM_001318829.2); c.3041C>G, p.Ala1014Gly (NM_001318831.2); c.3674C>G, p.Ala1225Gly (NM_001318832.2); c.3644C>G, p.Ala1215Gly (NM_001363528.2, NM_001370405.1, NM_021055.3); short protein forms A1258G, A1225G, A1166G, A1178G, A1014G, A1214G, A1215G.
Identifiers: ClinVar variation 406085 (VCV000406085.12), dbSNP rs1060500958, ClinGen allele CA16615006.